The following is an entry in ClinVar:

ClinVar aggregate classification (germline): Benign. Review status: criteria provided, multiple submitters, no conflicts (2 of 4 stars). 3 submissions from 3 submitters: Benign (2). 1 of the submissions does not count toward it. Last evaluated 2026-02-02.

Conditions:
CLUAP1-related disorder. Also called: CLUAP1-related condition.

Allele frequency attached by ClinVar (database versions not stated): ExAC 0.02985; 1000 Genomes Project 30x 0.05403; ESP Exome Variant Server 0.00947; gnomAD exomes 0.01291 and 0.02709; TOPMed 0.02354; 1000 Genomes Project 0.05671; gnomAD 0.01589 and 0.01940.
gnomAD v4.1: 21,873 of 1,605,774 alleles (1.4%); highest among the groups gnomAD compares: East Asian, 19%; 1,067 homozygotes.

Submissions (3):

Labcorp Genetics (formerly Invitae), Labcorp
Classification: Benign. Last evaluated: 2026-02-02. Review status: criteria provided, single submitter. Criteria: Invitae Variant Classification Sherloc (09022015). Collection method: clinical testing. Allele origin: germline.

Breakthrough Genomics
Classification: Benign. Review status: criteria provided, single submitter. Criteria: ACMG Guidelines, 2015. Collection method: not provided. Allele origin: germline. Inheritance: Unknown mechanism. Affected: yes.

PreventionGenetics, part of Exact Sciences
Classification: Benign for CLUAP1-related condition. Last evaluated: 2019-03-08. Review status: no assertion criteria provided. Collection method: clinical testing. Allele origin: germline. Not counted in ClinVar's aggregate classification.
Comment: This variant is classified as benign based on ACMG/AMP sequence variant interpretation guidelines (Richards et al. 2015 PMID: 25741868, with internal and published modifications).

NM_015041.3(CLUAP1):c.312T>C (p.Leu104=)

Gene: CLUAP1 (clusterin associated protein 1; plus strand). Cytogenetic location: 16p13.3.
Variant type: single nucleotide variant.
Coding change: c.312T>C on transcript NM_015041.3 (MANE Select); coding-DNA position 312, T replaced by C.
Protein change: p.Leu104=; no amino-acid change (leucine 104 retained).
Molecular consequence: synonymous variant.
Genome position (GRCh38, 1-based): chr16:3,508,381, T>C. VCF-style: chr16-3508381-T-C. GRCh37 (hg19) VCF-style: chr16-3558381-T-C.
Other names: c.312T>C, p.Leu104= (NM_001330454.2); c.312T>C (NM_015041.2).
Identifiers: ClinVar variation 1167690 (VCV001167690.12), dbSNP rs11554091, ClinGen allele CA7863680.
Genomic context (GRCh38, chr16:3,508,381, plus strand): 5'-GAAGCTTTATCAAGCAGATGGGTATGCGGTAAAAGAGCTGCTGAAGATCACATCTGTCCT[T>C]TATAATGCTATGAAGACCAAGGGGATGGAGGGCTCTGAAATAGTAGAGGAAGATGTCAAC-3'
Protein context (NP_055856.1, residues 94-114): VKELLKITSV[Leu104=]YNAMKTKGME